The following is an entry in ClinVar:

ClinVar aggregate classification (germline): Benign/Likely benign. Review status: criteria provided, multiple submitters, no conflicts (2 of 4 stars). 9 submissions from 9 submitters: Benign (5); Likely benign (3). 1 of the submissions does not count toward it. Last evaluated 2026-02-01.

Conditions:
Autosomal recessive osteopetrosis 1. Also called: TCIRG1-Related Autosomal Recessive Osteopetrosis; ALBERS-SCHONBERG DISEASE, AUTOSOMAL RECESSIVE; TCIRG1-Related Osteopetrosis. Identifiers: Orphanet 667, MedGen C1850127, MONDO:0009815, OMIM 259700.

Allele frequency attached by ClinVar (database versions not stated): 1000 Genomes Project 0.00319; 1000 Genomes Project 30x 0.00344; ESP Exome Variant Server 0.00416; gnomAD exomes 0.00499 and 0.00870; ExAC 0.00549; gnomAD 0.00587 and 0.00601; TOPMed 0.00643.

Submissions (9):

Labcorp Genetics (formerly Invitae), Labcorp
Classification: Benign. Last evaluated: 2026-02-01. Review status: criteria provided, single submitter. Criteria: Invitae Variant Classification Sherloc (09022015). Collection method: clinical testing. Allele origin: germline.

CeGaT Center for Human Genetics Tuebingen
Classification: Benign. Last evaluated: 2026-01-01. Review status: criteria provided, single submitter. Criteria: CeGaT Center For Human Genetics Tuebingen Variant Classification Criteria Version 2. Collection method: clinical testing. Allele origin: germline. Affected: yes. Observed: 14 variant alleles.
Comment: TCIRG1: BS1, BS2

Mayo Clinic Laboratories, Mayo Clinic
Classification: Likely benign. Last evaluated: 2025-09-16. Review status: criteria provided, single submitter. Criteria: ACMG Guidelines, 2015. Collection method: clinical testing. Allele origin: germline. Observed: 3 variant alleles.
Comment: BS1, BS2_moderate

Blueprint Genetics
Classification: Likely benign. Last evaluated: 2024-11-26. Review status: criteria provided, single submitter. Criteria: ACMG Guidelines, 2015. Collection method: clinical testing. Allele origin: germline.

Women's Health and Genetics/Laboratory Corporation of America, LabCorp
Classification: Benign. Last evaluated: 2022-02-18. Review status: criteria provided, single submitter. Criteria: LabCorp Variant Classification Summary - May 2015. Collection method: clinical testing. Allele origin: germline.
Comment: Variant summary: TCIRG1 c.479G>A (p.Gly160Glu) results in a non-conservative amino acid change in the encoded protein sequence. Two of four in-silico tools predict a benign effect of the variant on protein function. The variant allele was found at a frequency of 0.005 in 155404 control chromosomes in the gnomAD database, including 3 homozygotes. The observed variant frequency is approximately 3.0 fold of the estimated maximal expected allele frequency for a pathogenic variant in TCIRG1 causing Osteopetrosis phenotype (0.0016), strongly suggesting that the variant is benign. Three clinical diagnostic laboratories have submitted clinical-significance assessments for this variant to ClinVar after 2014 without evidence for independent evaluation. All laboratories classified the variant as benign/likely benign. Based on the evidence outlined above, the variant was classified as benign.

Illumina Laboratory Services, Illumina
Classification: Benign for Autosomal recessive osteopetrosis 1. Last evaluated: 2017-04-27. Review status: criteria provided, single submitter. Criteria: ICSL Variant Classification Criteria 13 December 2019. Collection method: clinical testing. Allele origin: germline.
Comment: This variant was observed as part of a predisposition screen in an ostensibly healthy population. A literature search was performed for the gene, cDNA change, and amino acid change (where applicable). Publications were found based on this search. The evidence from the literature, in combination with allele frequency data from public databases where available, was sufficient to rule this variant out of causing disease. Therefore, this variant is classified as benign.

Eurofins Ntd Llc (ga)
Classification: Benign. Last evaluated: 2014-10-30. Review status: criteria provided, single submitter. Criteria: EGL Classification Definitions 2015. Collection method: clinical testing. Allele origin: germline. Observed: 1 variant allele, 1 heterozygote.

Breakthrough Genomics
Classification: Likely benign. Review status: criteria provided, single submitter. Criteria: ACMG Guidelines, 2015. Collection method: not provided. Allele origin: germline. Inheritance: Autosomal recessive inheritance. Affected: yes.

Natera, Inc.
Classification: Likely benign for Infantile malignant osteopetrosis. Last evaluated: 2019-11-13. Review status: no assertion criteria provided. Collection method: clinical testing. Allele origin: germline. Not counted in ClinVar's aggregate classification.

Literature cited by the submitters: PubMed 24753205 (cited by Illumina Laboratory Services, Illumina).

NM_006019.4(TCIRG1):c.479G>A (p.Gly160Glu)

Gene: TCIRG1 (T cell immune regulator 1, ATPase H+ transporting V0 subunit a3; plus strand). Cytogenetic location: 11q13.2.
Variant type: single nucleotide variant.
Coding change: c.479G>A on transcript NM_006019.4 (MANE Select); coding-DNA position 479, G replaced by A.
Protein change: p.Gly160Glu; replaces glycine 160 with glutamic acid.
Molecular consequence: missense variant. On other transcripts: 5 prime UTR variant (2).
Genome position (GRCh38, 1-based): chr11:68,043,007, G>A. VCF-style: chr11-68043007-G-A. GRCh37 (hg19) VCF-style: chr11-67810474-G-A.
Other names: p.Gly160Glu; c.-771G>A (NM_001351059.2); c.-509G>A (NM_006053.4); short protein forms G160E.
Identifiers: ClinVar variation 197780 (VCV000197780.67), dbSNP rs186758849, ClinGen allele CA203077.